The following is an entry in ClinVar:

ClinVar aggregate classification (germline): Uncertain significance (1 of 4 stars; one submission).

Conditions:
CHARGE syndrome (CHARGE). Also called: Hittner Hirsch Kreh syndrome; CHARGE ASSOCIATION--COLOBOMA, HEART ANOMALY, CHOANAL ATRESIA, RETARDATION, GENITAL AND EAR ANOMALIES; Coloboma, heart anomaly, choanal atresia, retardation, genital and ear anomalies; CHARGE association; Hall-Hittner syndrome. Identifiers: Orphanet 138, MedGen C0265354, MONDO:0008965.

Submission:

Labcorp Genetics (formerly Invitae), Labcorp
Classification: Uncertain significance for CHARGE syndrome. Last evaluated: 2021-09-07. Review status: criteria provided, single submitter. Criteria: Invitae Variant Classification Sherloc (09022015). Collection method: clinical testing. Allele origin: germline.
Comment: This sequence change replaces arginine with lysine at codon 2336 of the CHD7 protein (p.Arg2336Lys). The arginine residue is highly conserved and there is a small physicochemical difference between arginine and lysine. This variant is not present in population databases (ExAC no frequency). This variant has not been reported in the literature in individuals affected with CHD7-related conditions. Advanced modeling of protein sequence and biophysical properties (such as structural, functional, and spatial information, amino acid conservation, physicochemical variation, residue mobility, and thermodynamic stability) performed at Invitae indicates that this missense variant is not expected to disrupt CHD7 protein function. In summary, the available evidence is currently insufficient to determine the role of this variant in disease. Therefore, it has been classified as a Variant of Uncertain Significance.

NM_017780.4(CHD7):c.7007G>A (p.Arg2336Lys)

Gene: CHD7 (chromodomain helicase DNA binding protein 7; plus strand). Cytogenetic location: 8q12.2.
Variant type: single nucleotide variant.
Coding change: c.7007G>A on transcript NM_017780.4 (MANE Select); coding-DNA position 7007, G replaced by A.
Protein change: p.Arg2336Lys; replaces arginine 2336 with lysine.
Molecular consequence: missense variant. On other transcripts: intron variant (1).
Genome position (GRCh38, 1-based): chr8:60,856,045, G>A. VCF-style: chr8-60856045-G-A. GRCh37 (hg19) VCF-style: chr8-61768604-G-A.
Other names: c.1717-6184G>A (NM_001316690.1); short protein forms R2336K.
Identifiers: ClinVar variation 1351688 (VCV001351688.6), dbSNP rs2129642540, ClinGen allele CA371298356.